The following is an entry in ClinVar:

ClinVar aggregate classification (germline): Conflicting classifications of pathogenicity. Review status: criteria provided, conflicting classifications (1 of 4 stars). 5 submissions from 5 submitters: Uncertain significance (4); Benign (1). Last evaluated 2025-12-17.

Conditions:
Hereditary cancer-predisposing syndrome. Also called: Tumor predisposition; Hereditary neoplastic syndrome; Neoplastic Syndromes, Hereditary; Hereditary Cancer Syndrome. Identifiers: Orphanet 140162, MedGen C0027672, MeSH D009386, MONDO:0015356.
Basal cell carcinoma, susceptibility to, 1. Also called: BCC1. Identifiers: MedGen C2751544, MONDO:0011556, OMIM 605462.
Gorlin syndrome. Also called: Basal cell nevus syndrome; Nevoid Basal Cell Carcinoma Syndrome. Identifiers: Orphanet 377, MedGen C0004779, MONDO:0007187.

Allele frequency attached by ClinVar (database versions not stated): gnomAD exomes 0.00001 and below 0.00001; gnomAD 0.00002; TOPMed 0.00003; ExAC 0.00001; ESP Exome Variant Server 0.00008.
gnomAD v4.1: 6 of 1,613,974 alleles (0.00037%); highest among the groups gnomAD compares: African/African-American, 0.008%; no homozygotes.

Submissions (5):

Ambry Genetics
Classification: Uncertain significance for Hereditary cancer-predisposing syndrome. Last evaluated: 2025-12-17. Review status: criteria provided, single submitter. Criteria: Ambry Variant Classification Scheme 2023. Collection method: clinical testing. Allele origin: germline.
Comment: The p.H648D variant (also known as c.1942C>G), located in coding exon 14 of the PTCH1 gene, results from a C to G substitution at nucleotide position 1942. The histidine at codon 648 is replaced by aspartic acid, an amino acid with similar properties. This variant was detected in multiple individuals with no reported features of PTCH1-related nevoid basal cell carcinoma syndrome (Ambry internal data). This amino acid position is highly conserved in available vertebrate species. In addition, this alteration is predicted to be deleterious by in silico analysis. Based on the available evidence, the clinical significance of this variant remains unclear.

Labcorp Genetics (formerly Invitae), Labcorp
Classification: Benign for Gorlin syndrome. Last evaluated: 2025-12-08. Review status: criteria provided, single submitter. Criteria: Invitae Variant Classification Sherloc (09022015). Collection method: clinical testing. Allele origin: germline.

GeneDx
Classification: Uncertain significance. Last evaluated: 2025-07-20. Review status: criteria provided, single submitter. Criteria: GeneDx Variant Classification Process June 2021. Collection method: clinical testing. Allele origin: germline. Affected: yes.
Comment: In silico analysis suggests that this missense variant does not alter protein structure/function; Has not been previously published as pathogenic or benign to our knowledge; This variant is associated with the following publications: (PMID: 11331587)

Baylor Genetics
Classification: Uncertain significance for Basal cell carcinoma, susceptibility to, 1. Last evaluated: 2024-03-28. Review status: criteria provided, single submitter. Criteria: ACMG Guidelines, 2015. Collection method: clinical testing. Allele origin: unknown.

Quest Diagnostics Nichols Institute San Juan Capistrano
Classification: Uncertain significance. Last evaluated: 2024-03-05. Review status: criteria provided, single submitter. Criteria: Quest Diagnostics criteria. Collection method: clinical testing. Allele origin: unknown.
Comment: The PTCH1 c.1942C>G (p.His648Asp) variant has not been reported in individuals with PTCH1-related conditions in the published literature. The frequency of this variant in the general population, 0.000008 (2/251342 chromosomes (Genome Aggregation Database)), is uninformative in the assessment of its pathogenicity. Analysis of this variant using bioinformatics tools for the prediction of the effect of amino acid changes on protein structure and function yielded predictions that this variant is damaging. Based on the available information, we are unable to determine the clinical significance of this variant.

NM_000264.5(PTCH1):c.1942C>G (p.His648Asp)

Genes: PTCH1 (patched 1; minus strand), LOC100507346 (uncharacterized LOC100507346; plus strand). Cytogenetic location: 9q22.32.
Variant type: single nucleotide variant.
Coding change: c.1942C>G on transcript NM_000264.5 (MANE Select); coding-DNA position 1942, C replaced by G.
Protein change: p.His648Asp; replaces histidine 648 with aspartic acid.
Molecular consequence: missense variant. On other transcripts: non-coding transcript variant (2).
Genome position (GRCh38, 1-based): chr9:95,469,059, G>C on the plus strand (C>G on the coding strand, the complement: PTCH1 is on the minus strand). VCF-style: chr9-95469059-G-C. GRCh37 (hg19) VCF-style: chr9-98231341-G-C.
Other names: c.1744C>G, p.His582Asp (NM_001083602.3); c.1939C>G, p.His647Asp (NM_001083603.3); c.1489C>G, p.His497Asp (NM_001083604.3, NM_001083605.3, NM_001083606.3 and 1 more transcripts); c.1786C>G, p.His596Asp (NM_001354918.2); c.1942C>G (NM_000264.4); short protein forms H582D, H648D, H647D, H497D, H596D.
Identifiers: ClinVar variation 188061 (VCV000188061.20), dbSNP rs149762881, ClinGen allele CA333941.